The following is an entry in ClinVar:

ClinVar aggregate classification (germline): Uncertain significance (1 of 4 stars; one submission).

Submission:

Ambry Genetics
Classification: Uncertain significance. Last evaluated: 2023-10-04. Review status: criteria provided, single submitter. Criteria: Ambry Variant Classification Scheme 2023. Collection method: clinical testing. Allele origin: germline.
Comment: The p.I1138S variant (also known as c.3413T>G), located in coding exon 30 of the KIF1B gene, results from a T to G substitution at nucleotide position 3413. The isoleucine at codon 1138 is replaced by serine, an amino acid with dissimilar properties. This amino acid position is conserved. In addition, this alteration is predicted to be deleterious by in silico analysis. Since supporting evidence is limited at this time, the clinical significance of this alteration remains unclear.

NM_001365951.3(KIF1B):c.3551T>G (p.Ile1184Ser)

Gene: KIF1B (kinesin family member 1B; plus strand). Cytogenetic location: 1p36.22.
Variant type: single nucleotide variant.
Coding change: c.3551T>G on transcript NM_001365951.3 (MANE Select); coding-DNA position 3551, T replaced by G.
Protein change: p.Ile1184Ser; replaces isoleucine 1184 with serine.
Molecular consequence: missense variant.
Genome position (GRCh38, 1-based): chr1:10,342,087, T>G. VCF-style: chr1-10342087-T-G. GRCh37 (hg19) VCF-style: chr1-10402145-T-G.
Other names: c.3551T>G, p.Ile1184Ser (NM_001365952.1); c.3413T>G, p.Ile1138Ser (NM_015074.3); short protein forms I1138S, I1184S.
Identifiers: ClinVar variation 3226457 (VCV003226457.1), dbSNP rs2521752108, ClinGen allele CA338341642.
Genomic context (GRCh38, chr1:10,342,087, plus strand): 5'-TTCCTAATCTTGCTTGGCTTTAGATTGCAGTGGAGATCACTGAATCATTTGTGGATTACA[T>G]CAAAACCAAGCCTATTGTATTTGAAGTCTTTGGGCATTATCAGCAGCACCCACTTCATCT-3'
Protein context (NP_001352880.1, residues 1174-1194): VEITESFVDY[Ile1184Ser]KTKPIVFEVF